The following is an entry in ClinVar:

NM_006231.4(POLE):c.4939T>G (p.Phe1647Val)

Gene: POLE (DNA polymerase epsilon, catalytic subunit; minus strand). Cytogenetic location: 12q24.33.
Variant type: single nucleotide variant.
Coding change: c.4939T>G on transcript NM_006231.4 (MANE Select); coding-DNA position 4939, T replaced by G.
Protein change: p.Phe1647Val; replaces phenylalanine 1647 with valine.
Molecular consequence: missense variant.
Genome position (GRCh38, 1-based): chr12:132,642,519, A>C on the plus strand (T>G on the coding strand, the complement: POLE is on the minus strand). VCF-style: chr12-132642519-A-C. GRCh37 (hg19) VCF-style: chr12-133219105-A-C.
Other names: short protein forms F1647V.
Identifiers: ClinVar variation 4141092 (VCV004141092.1).

ClinVar aggregate classification (germline): Uncertain significance (1 of 4 stars; one submission).

Conditions:
Hereditary cancer-predisposing syndrome. Also called: Hereditary neoplastic syndrome; Neoplastic Syndromes, Hereditary; Tumor predisposition; Hereditary Cancer Syndrome. Identifiers: Orphanet 140162, MedGen C0027672, MeSH D009386, MONDO:0015356.

Submission:

Ambry Genetics
Classification: Uncertain significance for Hereditary cancer-predisposing syndrome. Last evaluated: 2025-06-24. Review status: criteria provided, single submitter. Criteria: Ambry Variant Classification Scheme 2023. Collection method: clinical testing. Allele origin: germline.
Comment: The p.F1647V variant (also known as c.4939T>G), located in coding exon 37 of the POLE gene, results from a T to G substitution at nucleotide position 4939. The phenylalanine at codon 1647 is replaced by valine, an amino acid with highly similar properties. This amino acid position is highly conserved in available vertebrate species. In addition, the in silico prediction for this alteration is inconclusive. Based on the available evidence, the clinical significance of this variant remains unclear.